The following is an entry in ClinVar:

NM_001982.4(ERBB3):c.3380G>A (p.Arg1127His)

Gene: ERBB3 (erb-b2 receptor tyrosine kinase 3; plus strand). Cytogenetic location: 12q13.2.
Variant type: single nucleotide variant.
Coding change: c.3380G>A on transcript NM_001982.4 (MANE Select); coding-DNA position 3380, G replaced by A.
Protein change: p.Arg1127His; replaces arginine 1127 with histidine.
Molecular consequence: missense variant.
Genome position (GRCh38, 1-based): chr12:56,101,239, G>A. VCF-style: chr12-56101239-G-A. GRCh37 (hg19) VCF-style: chr12-56495023-G-A.
Other names: short protein forms R1127H.
Identifiers: ClinVar variation 713497 (VCV000713497.11), dbSNP rs2271188, ClinGen allele CA6622934.

ClinVar aggregate classification (germline): Likely benign. Review status: criteria provided, multiple submitters, no conflicts (2 of 4 stars). 5 submissions from 5 submitters: Likely benign (4). 1 of the submissions does not count toward it. Last evaluated 2025-12-24.

Conditions:
ERBB3-related disorder. Also called: ERBB3-related condition.

Allele frequency attached by ClinVar (database versions not stated): ESP Exome Variant Server 0.00008; gnomAD 0.00041 and 0.00064; gnomAD exomes 0.00044 and 0.00074; ExAC 0.00077; TOPMed 0.00083; 1000 Genomes Project 30x 0.00359; 1000 Genomes Project 0.00379.
gnomAD v4.1: 810 of 1,614,040 alleles (0.05%); highest among the groups gnomAD compares: East Asian, 1.2%; 11 homozygotes.

Submissions (5):

Labcorp Genetics (formerly Invitae), Labcorp
Classification: Likely benign. Last evaluated: 2025-12-24. Review status: criteria provided, single submitter. Criteria: Invitae Variant Classification Sherloc (09022015). Collection method: clinical testing. Allele origin: germline.

Blueprint Genetics
Classification: Likely benign. Last evaluated: 2024-11-26. Review status: criteria provided, single submitter. Criteria: ACMG Guidelines, 2015. Collection method: clinical testing. Allele origin: germline.

GeneDx
Classification: Likely benign. Last evaluated: 2020-01-20. Review status: criteria provided, single submitter. Criteria: GeneDx Variant Classification Process June 2021. Collection method: clinical testing. Allele origin: germline. Affected: yes.
Comment: This variant is associated with the following publications: (PMID: 23856252)

Breakthrough Genomics
Classification: Likely benign. Review status: criteria provided, single submitter. Criteria: ACMG Guidelines, 2015. Collection method: not provided. Allele origin: germline. Inheritance: Autosomal recessive inheritance. Affected: yes.

PreventionGenetics, part of Exact Sciences
Classification: Benign for ERBB3-related condition. Last evaluated: 2019-06-19. Review status: no assertion criteria provided. Collection method: clinical testing. Allele origin: germline. Not counted in ClinVar's aggregate classification.
Comment: This variant is classified as benign based on ACMG/AMP sequence variant interpretation guidelines (Richards et al. 2015 PMID: 25741868, with internal and published modifications).